The following is an entry in ClinVar:

ClinVar aggregate classification (germline): Pathogenic/Likely pathogenic. Review status: criteria provided, multiple submitters, no conflicts (2 of 4 stars). 2 submissions from 2 submitters: Pathogenic (1); Likely pathogenic (1). Last evaluated 2025-12-11.

Conditions:
Transient bullous dermolysis of the newborn (TBDN). Also called: DYSTROPHIC EPIDERMOLYSIS BULLOSA, NEONATAL; EPIDERMOLYSIS BULLOSA DYSTROPHICA, NEONATAL FORM. Identifiers: Orphanet 79411, MedGen C1851573, MONDO:0007548, OMIM 131705.

Submissions (2):

Medical and Scientific Branch, Hong Kong Genome Institute
Classification: Likely pathogenic for Transient bullous dermolysis of the newborn. Last evaluated: 2025-12-11. Review status: criteria provided, single submitter. Criteria: ACMG Guidelines, 2015. Collection method: clinical testing. Allele origin: germline. Affected: yes.

Labcorp Genetics (formerly Invitae), Labcorp
Classification: Pathogenic. Last evaluated: 2022-06-09. Review status: criteria provided, single submitter. Criteria: Invitae Variant Classification Sherloc (09022015). Collection method: clinical testing. Allele origin: germline.
Comment: For these reasons, this variant has been classified as Pathogenic. Algorithms developed to predict the effect of sequence changes on RNA splicing suggest that this variant may disrupt the consensus splice site. ClinVar contains an entry for this variant (Variation ID: 1065968). Disruption of this splice site has been observed in individual(s) with epidermolysis bullosa dystrophica (PMID: 33274474; Invitae). In at least one individual the data is consistent with being in trans (on the opposite chromosome) from a pathogenic variant. This variant is not present in population databases (gnomAD no frequency). This sequence change affects a donor splice site in intron 74 of the COL7A1 gene. It is expected to disrupt splicing. Variants that disrupt the donor or acceptor splice site typically lead to a loss of protein function (PMID: 16199547), and loss-of-function variants in COL7A1 are known to be disease-causing for autosomal recessive dystrophic epidermolysis bullosa (PMID: 16971478). However, certain variants affecting donor or acceptor splice sites in the triple helical domain of COL7A1 are expected to result in in-frame exon skipping and have been reported to cause autosomal dominant dystrophic epidermolysis bullosa (PMID: 31670143).

Literature cited by the submitters: PubMed 33274474 (cited by Labcorp Genetics (formerly Invitae), Labcorp); PubMed 16199547 (cited by Labcorp Genetics (formerly Invitae), Labcorp); PubMed 16971478 (cited by Labcorp Genetics (formerly Invitae), Labcorp); PubMed 31670143 (cited by Labcorp Genetics (formerly Invitae), Labcorp).

NM_000094.4(COL7A1):c.6216+1G>A

Gene: COL7A1 (collagen type VII alpha 1 chain; minus strand). Cytogenetic location: 3p21.31.
Variant type: single nucleotide variant.
Coding change: c.6216+1G>A on transcript NM_000094.4 (MANE Select); the canonical splice donor site of the intron after coding-DNA position 6216, G replaced by A.
Molecular consequence: splice donor variant.
Genome position (GRCh38, 1-based): chr3:48,575,206, C>T on the plus strand (G>A on the coding strand, the complement: COL7A1 is on the minus strand). VCF-style: chr3-48575206-C-T. GRCh37 (hg19) VCF-style: chr3-48612639-C-T.
Identifiers: ClinVar variation 1065968 (VCV001065968.6), dbSNP rs2107672698, ClinGen allele CA352662511.